The following is an entry in ClinVar:

NM_007294.4(BRCA1):c.1182T>A (p.Gly394=)

Gene: BRCA1 (BRCA1 DNA repair associated; minus strand). Cytogenetic location: 17q21.31.
Variant type: single nucleotide variant.
Coding change: c.1182T>A on transcript NM_007294.4 (MANE Select); coding-DNA position 1182, T replaced by A.
Protein change: p.Gly394=; no amino-acid change (glycine 394 retained).
Molecular consequence: synonymous variant. On other transcripts: intron variant (137).
Genome position (GRCh38, 1-based): chr17:43,094,349, A>T on the plus strand (T>A on the coding strand, the complement: BRCA1 is on the minus strand). VCF-style: chr17-43094349-A-T. GRCh37 (hg19) VCF-style: chr17-41246366-A-T.
Other names: c.972T>A, p.Gly324= (NM_001407887.1, NM_001407889.1, NM_001407900.1 and 13 more transcripts); c.969T>A, p.Gly323= (NM_001407894.1, NM_001407895.1, NM_001407896.1 and 9 more transcripts); c.1059T>A, p.Gly353= (NM_001407919.1, NM_001407937.1, NM_001407938.1 and 19 more transcripts); c.918T>A, p.Gly306= (NM_001407920.1, NM_001407921.1, NM_001407922.1 and 9 more transcripts); c.915T>A, p.Gly305= (NM_001407930.1, NM_001407931.1, NM_001407932.1 and 2 more transcripts); c.1056T>A, p.Gly352= (NM_001407940.1, NM_001407941.1, NM_001407649.1 and 11 more transcripts); c.1041T>A, p.Gly347= (NM_001407942.1, NM_001407944.1, NM_001407945.1 and 29 more transcripts); c.1038T>A, p.Gly346= (NM_001407943.1, NM_001407964.1, NM_001407740.1 and 20 more transcripts); and 40 more.
Identifiers: ClinVar variation 1742635 (VCV001742635.5), dbSNP rs2154471852, ClinGen allele CA500233626.
Genomic context (GRCh38, chr17:43,094,349, plus strand): 5'-GTCCAATACATCAGCTACTTTGGCATTTGATTCAGACTCCCCATCATGTGAGTCATCAGA[A>T]CCTAACAGTTCATCACTTCTGGAAAACCACTCATTAACTTTCTGAATGCTGCTATTTAGT-3'
Protein context (NP_009225.1, residues 384-404): EWFSRSDELL[Gly394=]SDDSHDGESE

ClinVar aggregate classification (germline): Likely benign. Review status: criteria provided, multiple submitters, no conflicts (2 of 4 stars). 3 submissions from 3 submitters: Likely benign (3). Last evaluated 2023-06-08.

Conditions:
Hereditary cancer-predisposing syndrome. Also called: Neoplastic Syndromes, Hereditary; Tumor predisposition; Hereditary neoplastic syndrome; Hereditary Cancer Syndrome. Identifiers: Orphanet 140162, MedGen C0027672, MeSH D009386, MONDO:0015356.
Breast-ovarian cancer, familial, susceptibility to, 1 (BROVCA1). Also called: OVARIAN CANCER, SUSCEPTIBILITY TO; BRCA1 Hereditary Breast and Ovarian Cancer. Identifiers: Orphanet 145, MedGen C2676676, MONDO:0011450, OMIM 604370. Disease mechanism: loss of function.

Submissions (3):

All of Us Research Program, National Institutes of Health
Classification: Likely benign for Breast-ovarian cancer, familial, susceptibility to, 1. Last evaluated: 2023-06-08. Review status: criteria provided, single submitter. Criteria: ACMG Guidelines, 2015. Collection method: clinical testing. Allele origin: germline. Inheritance: Autosomal dominant inheritance. Observed: 1 variant allele, 1 heterozygote.
Comment: This study involves interpretation of variants in research participants for the purpose of population health screening. Participant phenotype was not available at the time of variant classification. Additional details can be found in publication PMID: 35346344, PMCID: PMC8962531

Color Diagnostics, LLC DBA Color Health
Classification: Likely benign for Hereditary cancer-predisposing syndrome. Last evaluated: 2022-04-04. Review status: criteria provided, single submitter. Criteria: ACMG Guidelines, 2015. Collection method: clinical testing. Allele origin: germline.

Ambry Genetics
Classification: Likely benign for Hereditary cancer-predisposing syndrome. Last evaluated: 2021-08-30. Review status: criteria provided, single submitter. Criteria: Ambry Variant Classification Scheme 2023. Collection method: clinical testing. Allele origin: germline.